The following is an entry in ClinVar:

NM_001042492.3(NF1):c.4917T>A (p.Tyr1639Ter)

Gene: NF1 (neurofibromin 1; plus strand). Cytogenetic location: 17q11.2.
Variant type: single nucleotide variant.
Coding change: c.4917T>A on transcript NM_001042492.3 (MANE Select); coding-DNA position 4917, T replaced by A.
Protein change: p.Tyr1639Ter; replaces tyrosine 1639 with a stop codon.
Molecular consequence: nonsense.
Genome position (GRCh38, 1-based): chr17:31,325,901, T>A. VCF-style: chr17-31325901-T-A. GRCh37 (hg19) VCF-style: chr17-29652919-T-A.
Other names: c.4854T>A, p.Tyr1618Ter (NM_000267.4); short protein forms Y1618*, Y1639*.
Identifiers: ClinVar variation 457726 (VCV000457726.6), dbSNP rs1555533297, ClinGen allele CA399007103.
Genomic context (GRCh38, chr17:31,325,901, plus strand): 5'-TGGTGATTTGCTGATATACCATGTCTTACTGACTTTAAAGCCATATTATGCAAAGCCATA[T>A]GAAATTGTAGTGGACCTTACCCATACCGGGCCTAGCAATCGCTTTAAAACAGACTTTCTC-3'

ClinVar aggregate classification (germline): Pathogenic. Review status: criteria provided, multiple submitters, no conflicts (2 of 4 stars). 2 submissions from 2 submitters: Pathogenic (2). Last evaluated 2026-05-30.

Conditions:
Neurofibromatosis, type 1 (NF1). Also called: NEUROFIBROMATOSIS, TYPE I, SOMATIC; Neurofibromatosis, type I; Peripheral type neurofibromatosis; VON RECKLINGHAUSEN DISEASE. Identifiers: Orphanet 636, MedGen C0027831, MONDO:0018975, OMIM 162200. Disease mechanism: loss of function.

Submissions (2):

NHS Central & South Genomic Laboratory Hub
Classification: Pathogenic for Neurofibromatosis type 1. Last evaluated: 2026-05-30. Review status: criteria provided, single submitter. Criteria: ACMG Guidelines, 2015. Collection method: clinical testing. Allele origin: germline. Affected: yes.

Labcorp Genetics (formerly Invitae), Labcorp
Classification: Pathogenic for Neurofibromatosis, type 1. Last evaluated: 2021-01-07. Review status: criteria provided, single submitter. Criteria: Invitae Variant Classification Sherloc (09022015). Collection method: clinical testing. Allele origin: germline.
Comment: This sequence change creates a premature translational stop signal (p.Tyr1618*) in the NF1 gene. It is expected to result in an absent or disrupted protein product. Loss-of-function variants in NF1 are known to be pathogenic (PMID: 10712197, 23913538). This variant is not present in population databases (ExAC no frequency). This variant has been reported in individuals in the Leiden Open-source Variation Database (PMID: 21520333). ClinVar contains an entry for this variant (Variation ID: 457726). For these reasons, this variant has been classified as Pathogenic.

Literature cited by the submitters: PubMed 10712197 (cited by Labcorp Genetics (formerly Invitae), Labcorp); PubMed 23913538 (cited by Labcorp Genetics (formerly Invitae), Labcorp); PubMed 21520333 (cited by Labcorp Genetics (formerly Invitae), Labcorp).